The following is an entry in ClinVar:

ClinVar aggregate classification (germline): Pathogenic. Review status: reviewed by expert panel (3 of 4 stars). 7 submissions from 7 submitters: Pathogenic (1). 6 of the submissions do not count toward it. Last evaluated 2026-08-18.

Conditions:
Alexander disease (ALXDRD). Also called: Alexander's disease. Identifiers: Orphanet 58, MedGen C0270726, MONDO:0008752, OMIM 203450.

gnomAD v4.1: 2 of 1,613,304 alleles (0.00012%); highest among the groups gnomAD compares: Non-Finnish European, 0.00017%; no homozygotes.

Submissions (7):

ClinGen Leukodystrophy and Leukoencephalopathy Variant Curation Expert Panel, ClinGen
Classification: Pathogenic for Alexander disease. Last evaluated: 2026-08-18. Review status: reviewed by expert panel. Criteria: ClinGen Leuko ACMG Specifications GFAP V1.0. Collection method: curation. Allele origin: germline. Inheritance: Autosomal dominant inheritance.
Comment: The NM_002055.5(GFAP):c.382G>A, variant in GFAP is a missense variant predicited to cause a substitution of aspartic acid by asparagine at amino acid 128 (p.Asp128Asn). This variant has been reported in two probands who met diagnostic criteria for Alexander Disease per ClinGen Leukodystrophy and Leukoencephalopathy Expert Panel Specifications to the ACMG/AMP Variant Interpretation Guidelines for GFAP Version 1.0.0 (PS4_Moderate; PMID: 28882119, PMID: 25997626). At least one proband with this variant displayed the existence of Rosenthal fibers in addition to gliosis and loss of myelin which is highly specific for Alexander Disease (PP4_[Moderate], PMID: 25997626). The variant has been reported to segregate with Alexander Disease in four affected family members from one family (PP1_Moderate]; ClinVar SCVs: SCV005400625.1). An aggregation assay in zebrafish model showed a significantly higher number of GFAP aggregates than wild-type GFAP indicating that this variant impacts protein function (PMID: 28882119) (PS3_[Very Strong]). In summary, this variant meets the criteria to be classified as Pathogenic for Alexander Disease based on the ACMG/AMP criteria applied, as specified by the ClinGen Leukodystrophy and Leukoencephalopathy VCEP: PS4_Moderate, PS3_Very Strong, PP1_Moderate, PP4_Moderate (ClinGen Leukodystrophy and Leukoencephalopathy VCEP Specifications Version 1.0.0).

Clinical Genetics Laboratory, Skane University Hospital Lund
Classification: Likely pathogenic for Alexander disease. Last evaluated: 2026-04-23. Review status: criteria provided, single submitter. Criteria: ACMG Guidelines, 2015. Collection method: clinical testing. Allele origin: germline. Affected: yes. Not counted in ClinVar's aggregate classification.
Comment: GFAP (NM_002055.5) c.382G>A, p.(Asp128Asn) represents a nucleotide substitution in exon 1 of 9, resulting in the amino acid change indicated above, which is predicted to be deleterious to protein function. GFAP c.382G>A has previously been identified at low allele frequency in the general population, has been described in the literature (PMID: 18684770, 28882119, 25997626, 30942895), and is reported as pathogenic/likely pathogenic in the ClinVar database (Accession: VCV000066484.12). The variant has been classified as likely pathogenic based on the following ACMG criteria: PS3_Supporting, PS4_Moderate, PM2, PP2, PP3.

Victorian Clinical Genetics Services, Murdoch Childrens Research Institute
Classification: Pathogenic for Alexander disease. Last evaluated: 2024-10-09. Review status: criteria provided, single submitter. Criteria: ACMG Guidelines, 2015. Collection method: clinical testing. Allele origin: germline. Inheritance: Autosomal dominant inheritance. Affected: yes. Not counted in ClinVar's aggregate classification.
Comment: Based on the classification scheme VCGS_Germline_v1.3.4, this variant is classified as Pathogenic. Following criteria are met: 0103 - Dominant negative and gain of function are suggested as mechanisms of disease in this gene and are associated with Alexander disease (MIM#203450). Functional studies have demonstrated both dominant negative and gain of function are possible mechanisms of disease, however, the latter is the most widely accepted mechanism (OMIM, PMIDs: 11138011, 30355500, 31484723). (I) 0107 - This gene is associated with autosomal dominant disease. (I) 0200 - Variant is predicted to result in a missense amino acid change from aspartic acid to asparagine. (I) 0251 - This variant is heterozygous. (I) 0301 - Variant is absent from gnomAD (both v2 and v3). (SP) 0501 - Missense variant consistently predicted to be damaging by multiple in silico tools or highly conserved with a major amino acid change. (SP) 0600 - Variant is located in the annotated filament domain (DECIPHER). (I) 0705 - No comparable missense variants have previous evidence for pathogenicity. (I) 0801 - This variant has strong previous evidence of pathogenicity in unrelated individuals. It has been reported in multiple individuals with adult onset Alexander disease (PMIDs: 28882119, 18684770, 25997626, 30942895). In addition, it has been reported as pathogenic and likely pathogenic by two clinical laboratories (ClinVar). (SP) 0903 - This variant has limited evidence for segregation with disease. It has been shown to segregate with disease in a family with at least four affected relatives with Alexander disease (PMID: 28882119). (SP) 1002 - This variant has moderate functional evidence supporting abnormal protein function. This variant has been shown to increase GFAP aggregations in zebrafish as compared to wild-type (PMID: 28882119). (SP) 1208 - Inheritance information for this variant is not currently available in this individual. (I) Legend: (SP) - Supporting pathogenic, (I) - Information, (SB) - Supporting benign

Labcorp Genetics (formerly Invitae), Labcorp
Classification: Pathogenic. Last evaluated: 2020-12-20. Review status: criteria provided, single submitter. Criteria: Invitae Variant Classification Sherloc (09022015). Collection method: clinical testing. Allele origin: germline. Not counted in ClinVar's aggregate classification.
Comment: For these reasons, this variant has been classified as Pathogenic. Experimental studies have shown that this variant affects GFAP protein function (PMID: 28882119). This variant has been observed in individual(s) with Alexander disease (PMID: 18684770, 28882119, 25997626). It has also been observed to segregate with disease in related individuals. ClinVar contains an entry for this variant (Variation ID: 66484). This variant is not present in population databases (ExAC no frequency). This sequence change replaces aspartic acid with asparagine at codon 128 of the GFAP protein (p.Asp128Asn). The aspartic acid residue is highly conserved and there is a small physicochemical difference between aspartic acid and asparagine.

Lifecell International Pvt. Ltd
Classification: Likely pathogenic for Alexander disease. Review status: criteria provided, single submitter. Criteria: ACMG Guidelines, 2015. Collection method: clinical testing. Allele origin: germline. Inheritance: Autosomal dominant inheritance. Affected: yes. Observed: 1 heterozygote. Not counted in ClinVar's aggregate classification.
Comment: A Heterozygous Missense variant c.382G>A in Exon 1 of the GFAP gene that results in the amino acid substitution p.Asp128Asn was identified. The observed variant is novel in gnomAD exomes and genomes, respectively. The severity of the impact of this variant on the protein is high, based on the effect of the protein and REVEL score . Rare Exome Variant Ensemble Learner (REVEL) is an ensembl method for predicting the pathogenicity of missense variants based on a combination of scores from 13 individual tools: MutPred, FATHMM v2.3, VEST 3.0, PolyPhen-2, SIFT, PROVEAN, MutationAssessor, MutationTaster, LRT, GERP++, SiPhy, phyloP, and phastCons. The REVEL score for an individual missense variant can range from 0 to 1, with higher scores reflecting greater likelihood that the variant is disease-causing. ClinVar has also classified this variant as Pathogenic (Variant ID: 66484).This disorder has previously been reported in the patient affected with autism (Nykamp K, et. al 2017). Based on the above evidence this variant has been classified as Likely Pathogenic according to the ACMG guidelines.

Epithelial Biology;  Institute of Medical Biology, Singapore
No classification provided. Review status: no classification provided. Collection method: not provided. Allele origin: not provided. Not counted in ClinVar's aggregate classification.

GeneReviews
No classification provided. Condition: Alexander disease. Review status: no classification provided. Collection method: literature only. Allele origin: germline. Affected: yes. Not counted in ClinVar's aggregate classification.

Literature cited by the submitters: PubMed 11138011 (cited by Victorian Clinical Genetics Services, Murdoch Childrens Research Institute); PubMed 18684770 (cited by 3 submitters); PubMed 25997626 (cited by Victorian Clinical Genetics Services, Murdoch Childrens Research Institute and Labcorp Genetics (formerly Invitae), Labcorp); PubMed 28882119 (cited by Victorian Clinical Genetics Services, Murdoch Childrens Research Institute and Labcorp Genetics (formerly Invitae), Labcorp); PubMed 30355500 (cited by Victorian Clinical Genetics Services, Murdoch Childrens Research Institute); PubMed 30942895 (cited by Victorian Clinical Genetics Services, Murdoch Childrens Research Institute); PubMed 31484723 (cited by Victorian Clinical Genetics Services, Murdoch Childrens Research Institute); PubMed 18388212 (cited by GeneReviews); NCBI Bookshelf NBK1172 (cited by GeneReviews).

NM_002055.5(GFAP):c.382G>A (p.Asp128Asn)

Gene: GFAP (glial fibrillary acidic protein; minus strand). Cytogenetic location: 17q21.31.
Variant type: single nucleotide variant.
Coding change: c.382G>A on transcript NM_002055.5 (MANE Select); coding-DNA position 382, G replaced by A.
Protein change: p.Asp128Asn; replaces aspartic acid 128 with asparagine.
Molecular consequence: missense variant.
Genome position (GRCh38, 1-based): chr17:44,915,105, C>T on the plus strand (G>A on the coding strand, the complement: GFAP is on the minus strand). VCF-style: chr17-44915105-C-T. GRCh37 (hg19) VCF-style: chr17-42992473-C-T.
Other names: NM_002055.5(GFAP):c.382G>A; c.382G>A, p.Asp128Asn (NM_001131019.3, NM_001242376.3, NM_001363846.2); short protein forms D128N.
Identifiers: ClinVar variation 66484 (VCV000066484.14), dbSNP rs267607509, ClinGen allele CA217191.